The following is an entry in ClinVar:

NM_000051.4(ATM):c.1489T>A (p.Ser497Thr)

Gene: ATM (ATM serine/threonine kinase; plus strand). Cytogenetic location: 11q22.3.
Variant type: single nucleotide variant.
Coding change: c.1489T>A on transcript NM_000051.4 (MANE Select); coding-DNA position 1489, T replaced by A.
Protein change: p.Ser497Thr; replaces serine 497 with threonine.
Molecular consequence: missense variant.
Genome position (GRCh38, 1-based): chr11:108,250,954, T>A. VCF-style: chr11-108250954-T-A. GRCh37 (hg19) VCF-style: chr11-108121681-T-A.
Other names: c.1489T>A, p.Ser497Thr (NM_001351834.2); short protein forms S497T.
Identifiers: ClinVar variation 819357 (VCV000819357.14), dbSNP rs1375637948, ClinGen allele CA382534203.

ClinVar aggregate classification (germline): Uncertain significance. Review status: criteria provided, multiple submitters, no conflicts (2 of 4 stars). 2 submissions from 2 submitters: Uncertain significance (2). Last evaluated 2021-06-29.

Conditions:
Ataxia-telangiectasia syndrome (AT). Also called: Cerebello-oculocutaneous telangiectasia; Immunodeficiency with ataxia telangiectasia; Ataxia-telangiectasia, complementation group E; Ataxia-telangiectasia, complementation group D; AT, COMPLEMENTATION GROUP C; ATAXIA-TELANGIECTASIA, COMPLEMENTATION GROUP A. Identifiers: Orphanet 100, MedGen C0004135, MONDO:0008840, OMIM 208900.
Hereditary cancer-predisposing syndrome. Also called: Hereditary Cancer Syndrome; Neoplastic Syndromes, Hereditary; Hereditary neoplastic syndrome; Tumor predisposition. Identifiers: Orphanet 140162, MedGen C0027672, MeSH D009386, MONDO:0015356.

Submissions (2):

Labcorp Genetics (formerly Invitae), Labcorp
Classification: Uncertain significance for Ataxia-telangiectasia syndrome. Last evaluated: 2021-06-29. Review status: criteria provided, single submitter. Criteria: Invitae Variant Classification Sherloc (09022015). Collection method: clinical testing. Allele origin: germline.
Comment: This sequence change replaces serine with threonine at codon 497 of the ATM protein (p.Ser497Thr). The serine residue is moderately conserved and there is a small physicochemical difference between serine and threonine. This variant is not present in population databases (ExAC no frequency). This variant has not been reported in the literature in individuals with ATM-related conditions. Algorithms developed to predict the effect of missense changes on protein structure and function output the following: SIFT: "Tolerated"; PolyPhen-2: "Benign"; Align-GVGD: "Class C0". The threonine amino acid residue is found in multiple mammalian species, suggesting that this missense change does not adversely affect protein function. These predictions have not been confirmed by published functional studies and their clinical significance is uncertain. In summary, the available evidence is currently insufficient to determine the role of this variant in disease. Therefore, it has been classified as a Variant of Uncertain Significance.

Ambry Genetics
Classification: Uncertain significance for Hereditary cancer-predisposing syndrome. Last evaluated: 2019-06-21. Review status: criteria provided, single submitter. Criteria: Ambry Variant Classification Scheme 2023. Collection method: clinical testing. Allele origin: germline.
Comment: The p.S497T variant (also known as c.1489T>A), located in coding exon 9 of the ATM gene, results from a T to A substitution at nucleotide position 1489. The serine at codon 497 is replaced by threonine, an amino acid with similar properties. This amino acid position is poorly conserved in available vertebrate species. In addition, this alteration is predicted to be tolerated by in silico analysis. Since supporting evidence is limited at this time, the clinical significance of this alteration remains unclear.